The following is an entry in ClinVar:

NM_003076.5(SMARCD1):c.158T>C (p.Met53Thr)

Genes: SMARCD1 (SWI/SNF related BAF chromatin remodeling complex subunit D1; plus strand), LOC130007872 (ATAC-STARR-seq lymphoblastoid silent region 4446; plus strand). Cytogenetic location: 12q13.12.
Variant type: single nucleotide variant.
Coding change: c.158T>C on transcript NM_003076.5 (MANE Select); coding-DNA position 158, T replaced by C.
Protein change: p.Met53Thr; replaces methionine 53 with threonine.
Molecular consequence: missense variant.
Genome position (GRCh38, 1-based): chr12:50,085,527, T>C. VCF-style: chr12-50085527-T-C. GRCh37 (hg19) VCF-style: chr12-50479310-T-C.
Other names: c.158T>C, p.Met53Thr (NM_139071.3); short protein forms M53T.
Identifiers: ClinVar variation 2504539 (VCV002504539.1), dbSNP rs1950778684, ClinGen allele CA384786279.

ClinVar aggregate classification (germline): Uncertain significance (1 of 4 stars; one submission).

Allele frequency attached by ClinVar (database versions not stated): gnomAD exomes below 0.00001; gnomAD 0.00001.
gnomAD v4.1: 3 of 1,221,024 alleles (0.00025%); highest among the groups gnomAD compares: Non-Finnish European, 0.0001%; no homozygotes.

Submission:

GeneDx
Classification: Uncertain significance. Last evaluated: 2022-12-04. Review status: criteria provided, single submitter. Criteria: GeneDx Variant Classification Process June 2021. Collection method: clinical testing. Allele origin: germline. Affected: yes.
Comment: Not observed at significant frequency in large population cohorts (gnomAD); In silico analysis supports that this missense variant does not alter protein structure/function; Has not been previously published as pathogenic or benign to our knowledge